The following is an entry in ClinVar:

ClinVar aggregate classification (germline): Uncertain significance (1 of 4 stars; one submission).

Submission:

GeneDx
Classification: Uncertain significance. Last evaluated: 2022-11-14. Review status: criteria provided, single submitter. Criteria: GeneDx Variant Classification Process June 2021. Collection method: clinical testing. Allele origin: germline. Affected: yes.
Comment: Not observed at significant frequency in large population cohorts (gnomAD); In silico analysis supports that this missense variant has a deleterious effect on protein structure/function; Has not been previously published as pathogenic or benign to our knowledge

NM_004380.3(CREBBP):c.2203C>A (p.Pro735Thr)

Gene: CREBBP (CREB binding protein; minus strand). Cytogenetic location: 16p13.3.
Variant type: single nucleotide variant.
Coding change: c.2203C>A on transcript NM_004380.3 (MANE Select); coding-DNA position 2203, C replaced by A.
Protein change: p.Pro735Thr; replaces proline 735 with threonine.
Molecular consequence: missense variant.
Genome position (GRCh38, 1-based): chr16:3,774,649, G>T on the plus strand (C>A on the coding strand, the complement: CREBBP is on the minus strand). VCF-style: chr16-3774649-G-T. GRCh37 (hg19) VCF-style: chr16-3824650-G-T.
Other names: c.2089C>A, p.Pro697Thr (NM_001079846.1); short protein forms P697T, P735T.
Identifiers: ClinVar variation 2501856 (VCV002501856.1), dbSNP rs1219793343, ClinGen allele CA394553338.